The following is an entry in ClinVar:

NM_017636.4(TRPM4):c.1409A>G (p.Asn470Ser)

Gene: TRPM4 (transient receptor potential cation channel subfamily M member 4; plus strand). Cytogenetic location: 19q13.33.
Variant type: single nucleotide variant.
Coding change: c.1409A>G on transcript NM_017636.4 (MANE Select); coding-DNA position 1409, A replaced by G.
Protein change: p.Asn470Ser; replaces asparagine 470 with serine.
Molecular consequence: missense variant. On other transcripts: 5 prime UTR variant (1).
Genome position (GRCh38, 1-based): chr19:49,182,723, A>G. VCF-style: chr19-49182723-A-G. GRCh37 (hg19) VCF-style: chr19-49685980-A-G.
Other names: c.1409A>G, p.Asn470Ser (NM_001195227.2); c.1064A>G, p.Asn355Ser (NM_001321281.2); c.-145A>G (NM_001321282.2); c.887A>G, p.Asn296Ser (NM_001321283.2); c.347A>G, p.Asn116Ser (NM_001321285.2); short protein forms N116S, N296S, N355S, N470S.
Identifiers: ClinVar variation 811699 (VCV000811699.21), dbSNP rs746075675, ClinGen allele CA9569189.

ClinVar aggregate classification (germline): Uncertain significance. Review status: criteria provided, multiple submitters, no conflicts (2 of 4 stars). 4 submissions from 4 submitters: Uncertain significance (4). Last evaluated 2025-11-17.

Conditions:
Cardiovascular phenotype. Identifiers: MedGen CN230736.
Progressive familial heart block type IB (PFHB1B). Identifiers: Orphanet 871, MedGen C1970298, MONDO:0011474, OMIM 604559.
Erythrokeratodermia variabilis et progressiva 6. Identifiers: MedGen C5193144, MONDO:0032801, OMIM 618531.

Allele frequency attached by ClinVar (database versions not stated): ExAC 0.00002; gnomAD exomes 0.00002 and 0.00004; gnomAD 0.00017 and 0.00019; TOPMed 0.00039.
gnomAD v4.1: 87 of 1,613,800 alleles (0.0054%); highest among the groups gnomAD compares: Admixed American, 0.063%; no homozygotes.

Submissions (4):

Labcorp Genetics (formerly Invitae), Labcorp
Classification: Uncertain significance for Progressive familial heart block type IB. Last evaluated: 2025-11-17. Review status: criteria provided, single submitter. Criteria: Invitae Variant Classification Sherloc (09022015). Collection method: clinical testing. Allele origin: germline.
Comment: This sequence change replaces asparagine, which is neutral and polar, with serine, which is neutral and polar, at codon 470 of the TRPM4 protein (p.Asn470Ser). This variant is present in population databases (rs746075675, gnomAD 0.005%). This variant has not been reported in the literature in individuals affected with TRPM4-related conditions. ClinVar contains an entry for this variant (Variation ID: 811699). An algorithm developed to predict the effect of missense changes on protein structure and function outputs the following: PolyPhen-2: "Benign". The serine amino acid residue is found in multiple mammalian species, which suggests that this missense change does not adversely affect protein function. In summary, the available evidence is currently insufficient to determine the role of this variant in disease. Therefore, it has been classified as a Variant of Uncertain Significance.

Ambry Genetics
Classification: Uncertain significance for Cardiovascular phenotype. Last evaluated: 2025-05-02. Review status: criteria provided, single submitter. Criteria: Ambry Variant Classification Scheme 2023. Collection method: clinical testing. Allele origin: germline.
Comment: The p.N470S variant (also known as c.1409A>G), located in coding exon 11 of the TRPM4 gene, results from an A to G substitution at nucleotide position 1409. The asparagine at codon 470 is replaced by serine, an amino acid with highly similar properties. This amino acid position is not well conserved in available vertebrate species, and serine is the reference amino acid in other vertebrate species. In addition, this alteration is predicted to be tolerated by in silico analysis. Since supporting evidence is limited at this time, the clinical significance of this alteration remains unclear.

Fulgent Genetics
Classification: Uncertain significance for Progressive familial heart block type IB; Erythrokeratodermia variabilis et progressiva 6. Last evaluated: 2021-09-21. Review status: criteria provided, single submitter. Criteria: ACMG Guidelines, 2015. Collection method: clinical testing. Allele origin: unknown.

ARUP Laboratories, Molecular Genetics and Genomics, ARUP Laboratories
Classification: Uncertain significance for Progressive familial heart block type IB. Last evaluated: 2018-07-18. Review status: criteria provided, single submitter. Criteria: ARUP Molecular Germline Variant Investigation Process. Collection method: clinical testing. Allele origin: germline.
Comment: The TRPM4 c.1409A>G; p.Asn470Ser variant (rs746075675), to our knowledge, is not reported in the medical literature or gene specific databases. This variant is found in non-Finnish European population with an overall allele frequency of 0.0045% (5/110970 alleles) in the Genome Aggregation Database. The asparagine at codon 470 is moderately conserved, and computational analyses (SIFT, PolyPhen-2) predict that this variant is tolerated. Due to limited information, the clinical significance of the p.Asn470Ser variant is uncertain at this time.